The following is an entry in ClinVar:

ClinVar aggregate classification (germline): Uncertain significance (1 of 4 stars; one submission).

Conditions:
Hereditary cancer-predisposing syndrome. Also called: Hereditary Cancer Syndrome; Hereditary neoplastic syndrome; Tumor predisposition; Neoplastic Syndromes, Hereditary. Identifiers: Orphanet 140162, MedGen C0027672, MeSH D009386, MONDO:0015356.
Cardiovascular phenotype. Identifiers: MedGen CN230736.

Submission:

Ambry Genetics
Classification: Uncertain significance for Cardiovascular phenotype; Hereditary cancer-predisposing syndrome. Last evaluated: 2024-10-27. Review status: criteria provided, single submitter. Criteria: Ambry Variant Classification Scheme 2023. Collection method: clinical testing. Allele origin: germline.
Comment: The p.G663A variant (also known as c.1988G>C), located in coding exon 17 of the LZTR1 gene, results from a G to C substitution at nucleotide position 1988. The glycine at codon 663 is replaced by alanine, an amino acid with similar properties. This amino acid position is conserved. In addition, this alteration is predicted to be deleterious by in silico analysis. Based on the available evidence, the clinical significance of this variant remains unclear.

NM_006767.4(LZTR1):c.1988G>C (p.Gly663Ala)

Gene: LZTR1 (leucine zipper like post translational regulator 1; plus strand). Cytogenetic location: 22q11.21.
Variant type: single nucleotide variant.
Coding change: c.1988G>C on transcript NM_006767.4 (MANE Select); coding-DNA position 1988, G replaced by C.
Protein change: p.Gly663Ala; replaces glycine 663 with alanine.
Molecular consequence: missense variant.
Genome position (GRCh38, 1-based): chr22:20,995,791, G>C. VCF-style: chr22-20995791-G-C. GRCh37 (hg19) VCF-style: chr22-21350080-G-C.
Other names: short protein forms G663A.
Identifiers: ClinVar variation 3541675 (VCV003541675.1).